The following is an entry in ClinVar:

NM_001367624.2(ZNF469):c.9321_9324dup (p.Lys3109fs)

Gene: ZNF469 (zinc finger protein 469; plus strand). Cytogenetic location: 16q24.2.
Variant type: Microsatellite.
Coding change: c.9321_9324dup on transcript NM_001367624.2 (MANE Select); coding-DNA positions 9321 to 9324, 4 bases duplicated (GGCC; older notation c.9321_9324dupGGCC).
Protein change: p.Lys3109fs; shifts the reading frame from lysine 3109.
Molecular consequence: frameshift variant.
Genome position (GRCh38, 1-based): chr16:88,436,791-88,436,794, GGCC duplicated; duplicating any 4 consecutive bases within chr16:88,436,783-88,436,794 gives the same sequence; the c. name uses the placement nearest the transcript's 3' end. VCF-style (leftmost placement, unchanged base first): chr16-88436782-A-AGGCC. GRCh37 (hg19) VCF-style: chr16-88503190-A-AGGCC.
Other names: short protein forms K3109fs.
Identifiers: ClinVar variation 3007031 (VCV003007031.3), dbSNP rs1286871460, ClinGen allele CA725566416.

ClinVar aggregate classification (germline): Pathogenic (1 of 4 stars; one submission).

Submission:

Labcorp Genetics (formerly Invitae), Labcorp
Classification: Pathogenic. Last evaluated: 2023-03-07. Review status: criteria provided, single submitter. Criteria: Invitae Variant Classification Sherloc (09022015). Collection method: clinical testing. Allele origin: germline.
Comment: This sequence change creates a premature translational stop signal (p.Lys3081Glyfs*89) in the ZNF469 gene. While this is not anticipated to result in nonsense mediated decay, it is expected to disrupt the last 845 amino acid(s) of the ZNF469 protein. This variant is not present in population databases (gnomAD no frequency). This variant has not been reported in the literature in individuals affected with ZNF469-related conditions. This variant disrupts a region of the ZNF469 protein in which other variant(s) (p.Pro3556Glnfs*136) have been determined to be pathogenic (PMID: 32671420). This suggests that this is a clinically significant region of the protein, and that variants that disrupt it are likely to be disease-causing. For these reasons, this variant has been classified as Pathogenic.

Literature cited by the submitters: PubMed 32671420.